The following is an entry in ClinVar:

ClinVar aggregate classification (germline): Uncertain significance (1 of 4 stars; one submission).

Conditions:
FGFR3-related chondrodysplasia. Identifiers: Orphanet 93420, MedGen C5681604, MONDO:0019685.

Submission:

Genomenon, Inc
Classification: Uncertain significance for FGFR3-related chondrodysplasia. Last evaluated: 2026-06-23. Review status: criteria provided, single submitter. Criteria: Genomenon Sequence Variant Interpretation Standards - Updated. Collection method: curation. Allele origin: germline. Affected: no.
Comment: FGFR3 p.Lys650Ter (c.1948A>T) is a nonsense variant that introduces a premature stop codon at amino acid position 650 and is predicted to result in a truncated or absent protein product. This variant has been reported in the published literature (PMID:24259709). It is absent or not present at a significant frequency in gnomAD. In conclusion, we classify FGFR3 p.Lys650Ter (c.1948A>T) as a variant of uncertain significance.

NM_000142.5(FGFR3):c.1948A>T (p.Lys650Ter)

Gene: FGFR3 (fibroblast growth factor receptor 3; plus strand). Cytogenetic location: 4p16.3.
Variant type: single nucleotide variant.
Coding change: c.1948A>T on transcript NM_000142.5 (MANE Select); coding-DNA position 1948, A replaced by T.
Protein change: p.Lys650Ter; replaces lysine 650 with a stop codon.
Molecular consequence: nonsense. On other transcripts: non-coding transcript variant (1).
Genome position (GRCh38, 1-based): chr4:1,806,162, A>T. VCF-style: chr4-1806162-A-T. GRCh37 (hg19) VCF-style: chr4-1807889-A-T.
Other names: c.1954A>T, p.Lys652Ter (NM_001163213.2); c.1951A>T, p.Lys651Ter (NM_001354809.2, NM_001354810.2); c.1612A>T, p.Lys538Ter (NM_022965.4); short protein forms K538*, K650*, K651*, K652*.
Identifiers: ClinVar variation 4857794 (VCV004857794.1).